The following is an entry in ClinVar:

NM_018249.6(CDK5RAP2):c.5241C>T (p.Leu1747=)

Gene: CDK5RAP2 (CDK5 regulatory subunit associated protein 2; minus strand). Cytogenetic location: 9q33.2.
Variant type: single nucleotide variant.
Coding change: c.5241C>T on transcript NM_018249.6 (MANE Select); coding-DNA position 5241, C replaced by T.
Protein change: p.Leu1747=; no amino-acid change (leucine 1747 retained).
Molecular consequence: synonymous variant. On other transcripts: non-coding transcript variant (5).
Genome position (GRCh38, 1-based): chr9:120,402,872, G>A on the plus strand (C>T on the coding strand, the complement: CDK5RAP2 is on the minus strand). VCF-style: chr9-120402872-G-A. GRCh37 (hg19) VCF-style: chr9-123165150-G-A.
Other names: c.5004C>T, p.Leu1668= (NM_001011649.3); c.4551C>T, p.Leu1517= (NM_001272039.2).
Identifiers: ClinVar variation 364747 (VCV000364747.34), dbSNP rs753148214, ClinGen allele CA5213333.

ClinVar aggregate classification (germline): Conflicting classifications of pathogenicity. Review status: criteria provided, conflicting classifications (1 of 4 stars). 4 submissions from 4 submitters: Uncertain significance (1); Likely benign (2). 1 of the submissions does not count toward it. Last evaluated 2025-02-15.

Conditions:
Microcephaly 3, primary, autosomal recessive. Identifiers: Orphanet 2512, MedGen C1858108, MONDO:0011488, OMIM 604804.
CDK5RAP2-related disorder. Also called: CDK5RAP2-related condition.

Allele frequency attached by ClinVar (database versions not stated): gnomAD exomes 0.00003; TOPMed 0.00004; ExAC 0.00005; gnomAD 0.00005.

Submissions (4):

Labcorp Genetics (formerly Invitae), Labcorp
Classification: Likely benign. Last evaluated: 2025-02-15. Review status: criteria provided, single submitter. Criteria: Invitae Variant Classification Sherloc (09022015). Collection method: clinical testing. Allele origin: germline.

CeGaT Center for Human Genetics Tuebingen
Classification: Likely benign. Last evaluated: 2022-03-01. Review status: criteria provided, single submitter. Criteria: CeGaT Center For Human Genetics Tuebingen Variant Classification Criteria Version 2. Collection method: clinical testing. Allele origin: germline. Affected: yes. Observed: 1 variant allele.
Comment: CDK5RAP2: BP4, BP7

Illumina Laboratory Services, Illumina
Classification: Uncertain significance for Microcephaly 3, primary, autosomal recessive. Last evaluated: 2018-01-13. Review status: criteria provided, single submitter. Criteria: ICSL Variant Classification Criteria 13 December 2019. Collection method: clinical testing. Allele origin: germline.

PreventionGenetics, part of Exact Sciences
Classification: Likely benign for CDK5RAP2-related condition. Last evaluated: 2019-08-22. Review status: no assertion criteria provided. Collection method: clinical testing. Allele origin: germline. Not counted in ClinVar's aggregate classification.
Comment: This variant is classified as likely benign based on ACMG/AMP sequence variant interpretation guidelines (Richards et al. 2015 PMID: 25741868, with internal and published modifications).